The following is an entry in ClinVar:

ClinVar aggregate classification (germline): Likely pathogenic (1 of 4 stars; one submission).

Submission:

GeneDx
Classification: Likely pathogenic. Last evaluated: 2023-02-07. Review status: criteria provided, single submitter. Criteria: GeneDx Variant Classification Process June 2021. Collection method: clinical testing. Allele origin: germline. Affected: yes.
Comment: Has been reported previously in patients with Darier disease, and as a mosaic finding in lesional skin samples from a patient with papular acantholytic dyskeratosis (Pedace et al., 2011; Green et al., 2013; Gordon-Smith et al., 2018; Knopp et al., 2015); Not observed at significant frequency in large population cohorts (gnomAD); In silico analysis supports that this missense variant has a deleterious effect on protein structure/function; Missense variants in this gene are often considered pathogenic (HGMD); This variant is associated with the following publications: (PMID: 23356892, 30345710, 1831454, 26154588, 21527373, 24077912)

NM_170665.4(ATP2A2):c.2116G>A (p.Asp706Asn)

Gene: ATP2A2 (ATPase sarcoplasmic/endoplasmic reticulum Ca2+ transporting 2; plus strand). Cytogenetic location: 12q24.11.
Variant type: single nucleotide variant.
Coding change: c.2116G>A on transcript NM_170665.4 (MANE Select); coding-DNA position 2116, G replaced by A.
Protein change: p.Asp706Asn; replaces aspartic acid 706 with asparagine.
Molecular consequence: missense variant.
Genome position (GRCh38, 1-based): chr12:110,342,246, G>A. VCF-style: chr12-110342246-G-A. GRCh37 (hg19) VCF-style: chr12-110780051-G-A.
Other names: c.2011G>A, p.Asp671Asn (NM_001413013.1); c.2116G>A, p.Asp706Asn (NM_001413014.1, NM_001681.4); c.1741G>A, p.Asp581Asn (NM_001413015.1); short protein forms D581N, D671N, D706N.
Identifiers: ClinVar variation 2429631 (VCV002429631.1), dbSNP rs1379900827, ClinGen allele CA386675432.